The following is an entry in ClinVar:

NM_000548.5(TSC2):c.3604C>T (p.Pro1202Ser)

Gene: TSC2 (TSC complex subunit 2; plus strand). Cytogenetic location: 16p13.3.
Variant type: single nucleotide variant.
Coding change: c.3604C>T on transcript NM_000548.5 (MANE Select); coding-DNA position 3604, C replaced by T.
Protein change: p.Pro1202Ser; replaces proline 1202 with serine.
Molecular consequence: missense variant. On other transcripts: non-coding transcript variant (5).
Genome position (GRCh38, 1-based): chr16:2,080,371, C>T. VCF-style: chr16-2080371-C-T. GRCh37 (hg19) VCF-style: chr16-2130372-C-T.
Other names: c.3472C>T, p.Pro1158Ser (NM_001077183.3, NM_001370404.1, NM_001406665.1); c.3604C>T, p.Pro1202Ser (NM_001114382.3); c.3364C>T, p.Pro1122Ser (NM_001318827.2); c.3328C>T, p.Pro1110Ser (NM_001318829.2); c.2872C>T, p.Pro958Ser (NM_001318831.2, NM_001406687.1, NM_001406688.1); c.3505C>T, p.Pro1169Ser (NM_001318832.2); c.3475C>T, p.Pro1159Ser (NM_001363528.2, NM_001370405.1, NM_021055.3); c.3601C>T, p.Pro1201Ser (NM_001406663.1, NM_001406664.1); and 19 more; short protein forms P1005S, P1109S, P1121S, P1152S, P1154S, P1169S, P1202S, P754S.
Identifiers: ClinVar variation 3004908 (VCV003004908.6), dbSNP rs2151462708, ClinGen allele CA394289735.

ClinVar aggregate classification (germline): Uncertain significance. Review status: criteria provided, multiple submitters, no conflicts (2 of 4 stars). 3 submissions from 3 submitters: Uncertain significance (3). Last evaluated 2026-03-25.

Conditions:
TSC2-related disorder. Also called: TSC2-Related Disorders; TSC2-related condition.
Hereditary cancer-predisposing syndrome. Also called: Tumor predisposition; Hereditary Cancer Syndrome; Neoplastic Syndromes, Hereditary; Hereditary neoplastic syndrome. Identifiers: Orphanet 140162, MedGen C0027672, MeSH D009386, MONDO:0015356.
Tuberous sclerosis 2 (TSC2). Identifiers: Orphanet 805, MedGen C1860707, MONDO:0013199, OMIM 613254.

Submissions (3):

Ambry Genetics
Classification: Uncertain significance for Hereditary cancer-predisposing syndrome. Last evaluated: 2026-03-25. Review status: criteria provided, single submitter. Criteria: Ambry Variant Classification Scheme 2023. Collection method: clinical testing. Allele origin: germline.
Comment: The p.P1202S variant (also known as c.3604C>T), located in coding exon 29 of the TSC2 gene, results from a C to T substitution at nucleotide position 3604. The proline at codon 1202 is replaced by serine, an amino acid with similar properties. This amino acid position is conserved. In addition, this alteration is predicted to be deleterious by in silico analysis. Based on the available evidence, the clinical significance of this variant remains unclear.

Labcorp Genetics (formerly Invitae), Labcorp
Classification: Uncertain significance for Tuberous sclerosis 2. Last evaluated: 2026-02-03. Review status: criteria provided, single submitter. Criteria: Invitae Variant Classification Sherloc (09022015). Collection method: clinical testing. Allele origin: germline.
Comment: This sequence change replaces proline, which is neutral and non-polar, with serine, which is neutral and polar, at codon 1202 of the TSC2 protein (p.Pro1202Ser). This variant is not present in population databases (gnomAD no frequency). This variant has not been reported in the literature in individuals affected with TSC2-related conditions. ClinVar contains an entry for this variant (Variation ID: 3004908). Invitae Evidence Modeling of protein sequence and biophysical properties (such as structural, functional, and spatial information, amino acid conservation, physicochemical variation, residue mobility, and thermodynamic stability) has been performed for this missense variant. However, the output from this modeling did not meet the statistical confidence thresholds required to predict the impact of this variant on TSC2 protein function. In summary, the available evidence is currently insufficient to determine the role of this variant in disease. Therefore, it has been classified as a Variant of Uncertain Significance.

PreventionGenetics, part of Exact Sciences
Classification: Uncertain significance for TSC2-related condition. Last evaluated: 2025-04-03. Review status: criteria provided, single submitter. Criteria: ACMG Guidelines, 2015. Collection method: clinical testing. Allele origin: germline.
Comment: The TSC2 c.3604C>T variant is predicted to result in the amino acid substitution p.Pro1202Ser. To our knowledge, this variant has not been reported in the literature or in a large population database (gnomAD), indicating this variant is rare. At this time, the clinical significance of this variant is uncertain due to the absence of conclusive functional and genetic evidence.